The following is an entry in ClinVar:

ClinVar aggregate classification (germline): Uncertain significance. Review status: criteria provided, multiple submitters, no conflicts (2 of 4 stars). 3 submissions from 3 submitters: Uncertain significance (3). Last evaluated 2024-06-25.

Conditions:
Familial thoracic aortic aneurysm and aortic dissection (TAAD). Also called: Thoracic aortic aneurysms and dissections. Identifiers: Orphanet 91387, MedGen C4707243, MONDO:0019625.
Aortic aneurysm, familial thoracic 4 (AAT4). Also called: AORTIC ANEURYSM/AORTIC DISSECTION AND PATENT DUCTUS ARTERIOSUS. Identifiers: MedGen C1851504, MONDO:0007568, OMIM 132900.

gnomAD v4.1: 7 of 1,610,614 alleles (0.00043%); highest among the groups gnomAD compares: African/African-American, 0.0053%; no homozygotes.

Submissions (3):

Labcorp Genetics (formerly Invitae), Labcorp
Classification: Uncertain significance for Aortic aneurysm, familial thoracic 4. Last evaluated: 2024-06-25. Review status: criteria provided, single submitter. Criteria: Invitae Variant Classification Sherloc (09022015). Collection method: clinical testing. Allele origin: germline.
Comment: This sequence change replaces alanine, which is neutral and non-polar, with glutamic acid, which is acidic and polar, at codon 921 of the MYH11 protein (p.Ala921Glu). The frequency data for this variant in the population databases is considered unreliable, as metrics indicate poor data quality at this position in the gnomAD database. This variant has not been reported in the literature in individuals affected with MYH11-related conditions. ClinVar contains an entry for this variant (Variation ID: 1795440). Advanced modeling of protein sequence and biophysical properties (such as structural, functional, and spatial information, amino acid conservation, physicochemical variation, residue mobility, and thermodynamic stability) performed at Invitae indicates that this missense variant is not expected to disrupt MYH11 protein function with a negative predictive value of 95%. In summary, the available evidence is currently insufficient to determine the role of this variant in disease. Therefore, it has been classified as a Variant of Uncertain Significance.

GeneDx
Classification: Uncertain significance. Last evaluated: 2024-04-11. Review status: criteria provided, single submitter. Criteria: GeneDx Variant Classification Process June 2021. Collection method: clinical testing. Allele origin: germline. Affected: yes.
Comment: Has not been previously published as pathogenic or benign to our knowledge; Not observed at significant frequency in large population cohorts (gnomAD); In silico analysis indicates that this missense variant does not alter protein structure/function

Ambry Genetics
Classification: Uncertain significance for Familial thoracic aortic aneurysm and aortic dissection. Last evaluated: 2021-07-22. Review status: criteria provided, single submitter. Criteria: Ambry Variant Classification Scheme 2023. Collection method: clinical testing. Allele origin: germline.
Comment: The p.A914E variant (also known as c.2741C>A), located in coding exon 21 of the MYH11 gene, results from a C to A substitution at nucleotide position 2741. The alanine at codon 914 is replaced by glutamic acid, an amino acid with dissimilar properties. This amino acid position is conserved. In addition, this alteration is predicted to be tolerated by in silico analysis. Since supporting evidence is limited at this time, the clinical significance of this alteration remains unclear.

NM_002474.3(MYH11):c.2741C>A (p.Ala914Glu)

Gene: MYH11 (myosin heavy chain 11; minus strand). Cytogenetic location: 16p13.11.
Variant type: single nucleotide variant.
Coding change: c.2741C>A on transcript NM_002474.3 (MANE Select); coding-DNA position 2741, C replaced by A.
Protein change: p.Ala914Glu; replaces alanine 914 with glutamic acid.
Molecular consequence: missense variant.
Genome position (GRCh38, 1-based): chr16:15,741,581, G>T on the plus strand (C>A on the coding strand, the complement: MYH11 is on the minus strand). VCF-style: chr16-15741581-G-T. GRCh37 (hg19) VCF-style: chr16-15835438-G-T.
Other names: c.2762C>A, p.Ala921Glu (NM_001040113.2, NM_001040114.2); c.2741C>A, p.Ala914Glu (NM_022844.3); short protein forms A914E, A921E.
Identifiers: ClinVar variation 1795440 (VCV001795440.5), dbSNP rs142128375, ClinGen allele CA278627240.
Genomic context (GRCh38, chr16:15,741,581, plus strand): 5'-TCCTCCTCCAGGCGGGCCTCCATCTCATGCAGTATCTCCTCCAGCTCCTGCTTCTTGGCC[G>T]CCAGCCGCACCCGCATCTCCTCAGCCTCTGCATACAGCTCTGTCTCTGCCTGCAGCTGTT-3'
Protein context (NP_002465.1, residues 904-924): AEAEEMRVRL[Ala914Glu]AKKQELEEIL